The following is an entry in ClinVar:

ClinVar aggregate classification (germline): Uncertain significance (1 of 4 stars; one submission).

gnomAD v4.1: 50 of 1,614,034 alleles (0.0031%); highest among the groups gnomAD compares: Non-Finnish European, 0.0041%; no homozygotes.

Submission:

Women's Health and Genetics/Laboratory Corporation of America, LabCorp
Classification: Uncertain significance. Last evaluated: 2025-03-18. Review status: criteria provided, single submitter. Criteria: LabCorp Variant Classification Summary - May 2015. Collection method: clinical testing. Allele origin: germline.
Comment: Variant summary: VWF c.2944G>C (p.Val982Leu) results in a conservative amino acid change in the encoded protein sequence. Three of five in-silico tools predict a damaging effect of the variant on protein function. The variant allele was found at a frequency of 2.4e-05 in 251372 control chromosomes. The available data on variant occurrences in the general population are insufficient to allow any conclusion about variant significance. c.2944G>C has been reported in the literature in individuals affected with Von Willebrand Disease (e.g., Borras_2017, Stefanucci_2023). However, these report(s) do not provide unequivocal conclusions about association of the variant with Von Willebrand Disease. To our knowledge, no experimental evidence demonstrating an impact on protein function has been reported. The following publications have been ascertained in the context of this evaluation (PMID: 28971901, 37647632). No submitters have cited clinical-significance assessments for this variant to ClinVar. Based on the evidence outlined above, the variant was classified as uncertain significance.

Literature cited by the submitters: PubMed 28971901; PubMed 37647632.

NM_000552.5(VWF):c.2944G>C (p.Val982Leu)

Gene: VWF (von Willebrand factor; minus strand). Cytogenetic location: 12p13.31.
Variant type: single nucleotide variant.
Coding change: c.2944G>C on transcript NM_000552.5 (MANE Select); coding-DNA position 2944, G replaced by C.
Protein change: p.Val982Leu; replaces valine 982 with leucine.
Molecular consequence: missense variant.
Genome position (GRCh38, 1-based): chr12:6,029,365, C>G on the plus strand (G>C on the coding strand, the complement: VWF is on the minus strand). VCF-style: chr12-6029365-C-G. GRCh37 (hg19) VCF-style: chr12-6138531-C-G.
Other names: short protein forms V982L.
Identifiers: ClinVar variation 3895560 (VCV003895560.1).